The following is an entry in ClinVar:

ClinVar aggregate classification (germline): Uncertain significance (1 of 4 stars; one submission).

Conditions:
Cardiomyopathy (CMYO). Also called: Cardiomyopathies. Identifiers: Orphanet 167848, MedGen C0878544, MONDO:0004994, HP:0001638. Inheritance: Various modes of inheritance.

Submission:

Color Diagnostics, LLC DBA Color Health
Classification: Uncertain significance for Cardiomyopathy. Last evaluated: 2023-12-05. Review status: criteria provided, single submitter. Criteria: ACMG Guidelines, 2015. Collection method: clinical testing. Allele origin: germline.
Comment: Variant of Uncertain Significance due to insufficient evidence: This missense variant is located in the cytoplasmic desmoglein repeat 3 of the DSG2 protein. Computational prediction tools and conservation analyses suggest that this variant may have deleterious impact on the protein function. Computational splicing tools suggest that this variant may not impact RNA splicing. To our knowledge, functional assays have not been performed for this variant nor has this variant been reported in individuals affected with cardiovascular disorders in the literature. This variant is rare in the general population and has been identified in 0/277264 chromosomes by the Genome Aggregation Database (gnomAD). Available evidence is insufficient to determine the pathogenicity of this variant conclusively.

NM_001943.5(DSG2):c.2900T>G (p.Val967Gly)

Genes: DSG2 (desmoglein 2; plus strand), DSG2-AS1 (DSG2 antisense RNA 1; minus strand). Cytogenetic location: 18q12.1.
Variant type: single nucleotide variant.
Coding change: c.2900T>G on transcript NM_001943.5 (MANE Select); coding-DNA position 2900, T replaced by G.
Protein change: p.Val967Gly; replaces valine 967 with glycine.
Molecular consequence: missense variant.
Genome position (GRCh38, 1-based): chr18:31,546,286, T>G. VCF-style: chr18-31546286-T-G. GRCh37 (hg19) VCF-style: chr18-29126249-T-G.
Other names: short protein forms V967G.
Identifiers: ClinVar variation 629350 (VCV000629350.4), dbSNP rs1567934849, ClinGen allele CA402147300.
Genomic context (GRCh38, chr18:31,546,286, plus strand): 5'-CACCAACCACTGTGATCCTGGGTCCTAGCCAGCCACAGAGCCTTATTGTGACAGAGAGGG[T>G]GTATGCTCCAGCTTCTACCTTGGTAGATCAGCCTTATGCTAATGAAGGTACAGTTGTGGT-3'
Protein context (NP_001934.2, residues 957-977): QPQSLIVTER[Val967Gly]YAPASTLVDQ